The following is an entry in ClinVar:

NM_007055.4(POLR3A):c.2469A>C (p.Lys823Asn)

Gene: POLR3A (RNA polymerase III subunit A; minus strand). Cytogenetic location: 10q22.3.
Variant type: single nucleotide variant.
Coding change: c.2469A>C on transcript NM_007055.4 (MANE Select); coding-DNA position 2469, A replaced by C.
Protein change: p.Lys823Asn; replaces lysine 823 with asparagine.
Molecular consequence: missense variant.
Genome position (GRCh38, 1-based): chr10:78,000,985, T>G on the plus strand (A>C on the coding strand, the complement: POLR3A is on the minus strand). VCF-style: chr10-78000985-T-G. GRCh37 (hg19) VCF-style: chr10-79760743-T-G.
Other names: short protein forms K823N.
Identifiers: ClinVar variation 2811813 (VCV002811813.3), dbSNP rs559831042, ClinGen allele CA5571117.

ClinVar aggregate classification (germline): Uncertain significance (1 of 4 stars; one submission).

Allele frequency attached by ClinVar (database versions not stated): gnomAD 0.00001; ExAC 0.00002; 1000 Genomes Project 30x 0.00016; 1000 Genomes Project 0.00020.
gnomAD v4.1: 3 of 1,569,854 alleles (0.00019%); highest among the groups gnomAD compares: South Asian, 0.0033%; no homozygotes.

Submission:

Labcorp Genetics (formerly Invitae), Labcorp
Classification: Uncertain significance. Last evaluated: 2022-11-30. Review status: criteria provided, single submitter. Criteria: Invitae Variant Classification Sherloc (09022015). Collection method: clinical testing. Allele origin: germline.
Comment: This variant has not been reported in the literature in individuals affected with POLR3A-related conditions. This variant is present in population databases (rs559831042, gnomAD 0.01%). This sequence change replaces lysine, which is basic and polar, with asparagine, which is neutral and polar, at codon 823 of the POLR3A protein (p.Lys823Asn). Advanced modeling of protein sequence and biophysical properties (such as structural, functional, and spatial information, amino acid conservation, physicochemical variation, residue mobility, and thermodynamic stability) performed at Invitae indicates that this missense variant is not expected to disrupt POLR3A protein function. In summary, the available evidence is currently insufficient to determine the role of this variant in disease. Therefore, it has been classified as a Variant of Uncertain Significance.